The following is an entry in ClinVar:

NM_017763.6(RNF43):c.2243G>T (p.Ser748Ile)

Gene: RNF43 (ring finger protein 43; minus strand). Cytogenetic location: 17q22.
Variant type: single nucleotide variant.
Coding change: c.2243G>T on transcript NM_017763.6 (MANE Select); coding-DNA position 2243, G replaced by T.
Protein change: p.Ser748Ile; replaces serine 748 with isoleucine.
Molecular consequence: missense variant.
Genome position (GRCh38, 1-based): chr17:58,357,533, C>A on the plus strand (G>T on the coding strand, the complement: RNF43 is on the minus strand). VCF-style: chr17-58357533-C-A. GRCh37 (hg19) VCF-style: chr17-56434894-C-A.
Other names: c.2243G>T, p.Ser748Ile (NM_001305544.3, NM_001438820.1, NM_001438821.1 and 1 more transcripts); c.1862G>T, p.Ser621Ile (NM_001305545.2, NM_001437987.1); short protein forms S621I, S748I.
Identifiers: ClinVar variation 4863415 (VCV004863415.1).
Genomic context (GRCh38, chr17:58,357,533, plus strand): 5'-TGGGCCGACAGCACCTGGCAGTGCGGATAAGGGCATGGCCTGCCCTCTGCGGTGTCAGAA[C>A]TCCATTCAGAAGGCCCCTCCCCAGGTGGATGTGGTTCCAGGGGCTGGCGAGGAGTCAGGC-3'
Protein context (NP_060233.3, residues 738-758): HPPGEGPSEW[Ser748Ile]SDTAEGRPCP

ClinVar aggregate classification (germline): Uncertain significance (1 of 4 stars; one submission).

Submission:

Ambry Genetics
Classification: Uncertain significance. Last evaluated: 2026-05-14. Review status: criteria provided, single submitter. Criteria: Ambry Variant Classification Scheme 2023. Collection method: clinical testing. Allele origin: germline.
Comment: The p.S748I variant (also known as c.2243G>T), located in coding exon 8 of the RNF43 gene, results from a G to T substitution at nucleotide position 2243. The serine at codon 748 is replaced by isoleucine, an amino acid with dissimilar properties. This amino acid position is conserved. In addition, this alteration is predicted to be tolerated by in silico analysis. Based on the available evidence, the clinical significance of this variant remains unclear.